The following is an entry in ClinVar:

ClinVar aggregate classification (germline): Conflicting classifications of pathogenicity. Review status: criteria provided, conflicting classifications (1 of 4 stars). 5 submissions from 4 submitters: Uncertain significance (3); Likely benign (2). Last evaluated 2025-12-03.

Conditions:
Inborn genetic diseases. Identifiers: MedGen C0950123, MeSH D030342.
Wagner disease. Also called: HYALOIDEORETINAL DEGENERATION OF WAGNER; WAGNER VITREORETINAL DEGENERATION; WAGNER VITREORETINOPATHY; WAGNER SYNDROME 1; Wagner syndrome; Wagner Vitreoretinal Degeneration (Wagner Synrdome). Identifiers: Orphanet 898, MedGen C1840452, MONDO:0007740, OMIM 143200.
Vitreoretinopathy. Also called: Vitreoretinal degeneration. Identifiers: MedGen C0344290, MONDO:0020248, HP:0007773.

Allele frequency attached by ClinVar (database versions not stated): ExAC 0.00002; gnomAD exomes 0.00002 and 0.00005; gnomAD 0.00005; TOPMed 0.00006.
gnomAD v4.1: 79 of 1,612,504 alleles (0.0049%); highest among the groups gnomAD compares: Non-Finnish European, 0.0064%; no homozygotes.

Submissions (5):

Labcorp Genetics (formerly Invitae), Labcorp
Classification: Uncertain significance. Last evaluated: 2025-12-03. Review status: criteria provided, single submitter. Criteria: Invitae Variant Classification Sherloc (09022015). Collection method: clinical testing. Allele origin: germline.
Comment: This sequence change replaces alanine, which is neutral and non-polar, with proline, which is neutral and non-polar, at codon 3017 of the VCAN protein (p.Ala3017Pro). This variant is present in population databases (rs774896703, gnomAD 0.007%). This variant has not been reported in the literature in individuals affected with VCAN-related conditions. ClinVar contains an entry for this variant (Variation ID: 857013). An algorithm developed to predict the effect of missense changes on protein structure and function outputs the following: PolyPhen-2: "Benign". The proline amino acid residue is found in multiple mammalian species, which suggests that this missense change does not adversely affect protein function. In summary, the available evidence is currently insufficient to determine the role of this variant in disease. Therefore, it has been classified as a Variant of Uncertain Significance.

Ambry Genetics
Classification: Uncertain significance for Inborn genetic diseases. Last evaluated: 2025-01-19. Review status: criteria provided, single submitter. Criteria: Ambry Variant Classification Scheme 2023. Collection method: clinical testing. Allele origin: germline.

Women's Health and Genetics/Laboratory Corporation of America, LabCorp
Classification: Uncertain significance. Last evaluated: 2023-04-18. Review status: criteria provided, single submitter. Criteria: LabCorp Variant Classification Summary - May 2015. Collection method: clinical testing. Allele origin: germline.
Comment: Variant summary: VCAN c.9049G>C (p.Ala3017Pro) results in a non-conservative amino acid change in the encoded protein sequence. Four of five in-silico tools predict a benign effect of the variant on protein function. The variant allele was found at a frequency of 2.4e-05 in 250364 control chromosomes. The available data on variant occurrences in the general population are insufficient to allow any conclusion about variant significance. To our knowledge, no occurrence of c.9049G>C in individuals affected with Wagner Syndrome and no experimental evidence demonstrating its impact on protein function have been reported. Two clinical diagnostic laboratories have submitted clinical-significance assessments for this variant to ClinVar after 2014. One laboratory classified the variant as likely benign, and one laboratory classified the variant as uncertain significance. Based on the evidence outlined above, the variant was classified as uncertain significance.

Illumina Laboratory Services, Illumina
Classification: Likely benign for Wagner disease. Last evaluated: 2018-01-12. Review status: criteria provided, single submitter. Criteria: ICSL Variant Classification Criteria 13 December 2019. Collection method: clinical testing. Allele origin: germline.
Comment: This variant was observed in the ICSL laboratory as part of a predisposition screen in an ostensibly healthy population. It had not been previously curated by ICSL or reported in the Human Gene Mutation Database (HGMD: prior to June 1st, 2018), and was therefore a candidate for classification through an automated scoring system. Utilizing variant allele frequency, disease prevalence and penetrance estimates, and inheritance mode, an automated score was calculated to assess if this variant is too frequent to cause the disease. Based on the score and internal cut-off values, a variant classified as likely benign is not then subjected to further curation. The score for this variant resulted in a classification of likely benign for this disease.

Illumina Laboratory Services, Illumina
Classification: Likely benign for Vitreoretinopathy. Last evaluated: 2018-01-12. Review status: criteria provided, single submitter. Criteria: ICSL Variant Classification Criteria 13 December 2019. Collection method: clinical testing. Allele origin: germline.
Comment: the same text as in the submission from Illumina Laboratory Services, Illumina above.

NM_004385.5(VCAN):c.9049G>C (p.Ala3017Pro)

Genes: VCAN (versican; plus strand), VCAN-AS1 (VCAN antisense RNA 1; minus strand). Cytogenetic location: 5q14.3.
Variant type: single nucleotide variant.
Coding change: c.9049G>C on transcript NM_004385.5 (MANE Select); coding-DNA position 9049, G replaced by C.
Protein change: p.Ala3017Pro; replaces alanine 3017 with proline.
Molecular consequence: missense variant. On other transcripts: intron variant (2).
Genome position (GRCh38, 1-based): chr5:83,542,052, G>C. VCF-style: chr5-83542052-G-C. GRCh37 (hg19) VCF-style: chr5-82837871-G-C.
Other names: c.6088G>C, p.Ala2030Pro (NM_001164097.2); c.4004-3485G>C (NM_001164098.2); c.1043-3485G>C (NM_001126336.3); short protein forms A3017P, A2030P.
Identifiers: ClinVar variation 857013 (VCV000857013.13), dbSNP rs774896703, ClinGen allele CA3333900.